The following is an entry in ClinVar:

ClinVar aggregate classification (germline): Uncertain significance. Review status: criteria provided, single submitter (1 of 4 stars). 2 submissions from 2 submitters: Uncertain significance (1). 1 of the submissions does not count toward it. Last evaluated 2021-08-24.

Conditions:
Retinitis pigmentosa 25 (RP25). Identifiers: Orphanet 791, MedGen C1864446, MONDO:0011272, OMIM 602772.

Submissions (2):

Labcorp Genetics (formerly Invitae), Labcorp
Classification: Uncertain significance. Last evaluated: 2021-08-24. Review status: criteria provided, single submitter. Criteria: Invitae Variant Classification Sherloc (09022015). Collection method: clinical testing. Allele origin: germline.
Comment: This variant, c.9012_9020del, results in the deletion of 3 amino acid(s) of the EYS protein (p.Glu3004_Asn3006del), but otherwise preserves the integrity of the reading frame. This variant is not present in population databases (ExAC no frequency). This variant has not been reported in the literature in individuals affected with EYS-related conditions. Experimental studies and prediction algorithms are not available or were not evaluated, and the functional significance of this variant is currently unknown. In summary, the available evidence is currently insufficient to determine the role of this variant in disease. Therefore, it has been classified as a Variant of Uncertain Significance.

Natera, Inc.
Classification: Uncertain significance for Retinitis pigmentosa type 25. Last evaluated: 2021-05-25. Review status: no assertion criteria provided. Collection method: clinical testing. Allele origin: germline. Not counted in ClinVar's aggregate classification.

NM_001142800.2(EYS):c.9012_9020del (p.Glu3004_Asn3006del)

Genes: EYS (eyes shut homolog; minus strand), PHF3 (PHD finger protein 3; plus strand). Cytogenetic location: 6q12.
Variant type: Deletion.
Coding change: c.9012_9020del on transcript NM_001142800.2 (MANE Select); coding-DNA positions 9012 to 9020, 9 bases deleted (AGAAAATGA; older notation c.9012_9020delAGAAAATGA).
Protein change: p.Glu3004_Asn3006del.
Molecular consequence: inframe deletion. On other transcripts: 3 prime UTR variant (5).
Genome position (GRCh38, 1-based): chr6:63,721,011-63,721,019, TCATTTTCT deleted on the plus strand (AGAAAATGA on the coding strand, the reverse complement: EYS is on the minus strand); deleting any 9 consecutive bases within chr6:63,721,011-63,721,026 gives the same sequence; the c. name uses the placement nearest the transcript's 3' end. VCF-style (leftmost placement, unchanged base first): chr6-63721010-ATCATTTTCT-A. GRCh37 (hg19) VCF-style: chr6-64430906-ATCATTTTCT-A.
Other names: c.*7310_*7318del (NM_001290259.2, NM_001370348.2, NM_001370349.2 and 2 more transcripts); c.9075_9083del, p.Glu3025_Asn3027del (NM_001292009.2).
Identifiers: ClinVar variation 836189 (VCV000836189.7), dbSNP rs1768361133, ClinGen allele CA916082853.